The following is an entry in ClinVar:

NM_001039958.2(MESP2):c.742A>G (p.Thr248Ala)

Gene: MESP2 (mesoderm posterior bHLH transcription factor 2; plus strand). Cytogenetic location: 15q26.1.
Variant type: single nucleotide variant.
Coding change: c.742A>G on transcript NM_001039958.2 (MANE Select); coding-DNA position 742, A replaced by G.
Protein change: p.Thr248Ala; replaces threonine 248 with alanine.
Molecular consequence: missense variant.
Genome position (GRCh38, 1-based): chr15:89,777,099, A>G. VCF-style: chr15-89777099-A-G. GRCh37 (hg19) VCF-style: chr15-90320330-A-G.
Other names: short protein forms T248A.
Identifiers: ClinVar variation 2160865 (VCV002160865.1), dbSNP rs749420045, ClinGen allele CA7730496.

ClinVar aggregate classification (germline): Uncertain significance (1 of 4 stars; one submission).

Allele frequency attached by ClinVar (database versions not stated): ExAC 0.00002; gnomAD 0.00003; TOPMed 0.00004; gnomAD exomes 0.00010.
gnomAD v4.1: 146 of 1,612,472 alleles (0.0091%); highest among the groups gnomAD compares: Non-Finnish European, 0.012%; no homozygotes.

Submission:

Labcorp Genetics (formerly Invitae), Labcorp
Classification: Uncertain significance. Last evaluated: 2022-08-09. Review status: criteria provided, single submitter. Criteria: Invitae Variant Classification Sherloc (09022015). Collection method: clinical testing. Allele origin: germline.
Comment: This sequence change replaces threonine, which is neutral and polar, with alanine, which is neutral and non-polar, at codon 248 of the MESP2 protein (p.Thr248Ala). This variant is present in population databases (rs749420045, gnomAD 0.003%). This variant has not been reported in the literature in individuals affected with MESP2-related conditions. Algorithms developed to predict the effect of missense changes on protein structure and function output the following: SIFT: "Deleterious"; PolyPhen-2: "Benign"; Align-GVGD: "Class C0". The alanine amino acid residue is found in multiple mammalian species, which suggests that this missense change does not adversely affect protein function. Algorithms developed to predict the effect of sequence changes on RNA splicing suggest that this variant may create or strengthen a splice site. In summary, the available evidence is currently insufficient to determine the role of this variant in disease. Therefore, it has been classified as a Variant of Uncertain Significance.